The following is an entry in ClinVar:

NM_001184900.3(CARD8):c.847C>T (p.Arg283Trp)

Gene: CARD8 (caspase recruitment domain family member 8; minus strand). Cytogenetic location: 19q13.33.
Variant type: single nucleotide variant.
Coding change: c.847C>T on transcript NM_001184900.3 (MANE Select); coding-DNA position 847, C replaced by T.
Protein change: p.Arg283Trp; replaces arginine 283 with tryptophan.
Molecular consequence: missense variant. On other transcripts: non-coding transcript variant (4).
Genome position (GRCh38, 1-based): chr19:48,230,626, G>A on the plus strand (C>T on the coding strand, the complement: CARD8 is on the minus strand). VCF-style: chr19-48230626-G-A. GRCh37 (hg19) VCF-style: chr19-48733883-G-A.
Other names: c.697C>T, p.Arg233Trp (NM_001184901.1, NM_001351783.2, NM_001351788.2 and 2 more transcripts); c.847C>T, p.Arg283Trp (NM_001184902.2, NM_001184903.1, NM_001351782.2); c.532C>T, p.Arg178Trp (NM_001351784.2, NM_001351787.2, NM_001351791.2 and 1 more transcripts); c.511C>T, p.Arg171Trp (NM_001351786.2); c.604C>T, p.Arg202Trp (NM_001351790.2); c.529C>T, p.Arg177Trp (NM_001365950.1); short protein forms R171W, R283W, R202W, R177W, R178W, R233W.
Identifiers: ClinVar variation 3712701 (VCV003712701.2).

ClinVar aggregate classification (germline): Uncertain significance (1 of 4 stars; one submission).

gnomAD v4.1: 36 of 1,613,974 alleles (0.0022%); highest among the groups gnomAD compares: South Asian, 0.025%; no homozygotes.

Submission:

Labcorp Genetics (formerly Invitae), Labcorp
Classification: Uncertain significance. Last evaluated: 2026-01-17. Review status: criteria provided, single submitter. Criteria: Invitae Variant Classification Sherloc (09022015). Collection method: clinical testing. Allele origin: germline.
Comment: This sequence change replaces arginine, which is basic and polar, with tryptophan, which is neutral and slightly polar, at codon 233 of the CARD8 protein (p.Arg233Trp). This variant is present in population databases (rs148180647, gnomAD 0.03%). This variant has not been reported in the literature in individuals affected with CARD8-related conditions. ClinVar contains an entry for this variant (Variation ID: 3712701). An algorithm developed to predict the effect of missense changes on protein structure and function (PolyPhen-2) suggests that this variant is likely to be disruptive. In summary, the available evidence is currently insufficient to determine the role of this variant in disease. Therefore, it has been classified as a Variant of Uncertain Significance.